The following is an entry in ClinVar:

ClinVar aggregate classification (germline): Conflicting classifications of pathogenicity. Review status: criteria provided, conflicting classifications (1 of 4 stars). 3 submissions from 3 submitters: Uncertain significance (1); Likely benign (1). 1 of the submissions does not count toward it. Last evaluated 2026-01-30.

Conditions:
Familial isolated deficiency of vitamin E (AVED). Also called: Ataxia with isolated vitamin E deficiency; ATAXIA, FRIEDREICH-LIKE, WITH SELECTIVE VITAMIN E DEFICIENCY. Identifiers: Orphanet 96, MedGen C1848533, MONDO:0010188, OMIM 277460.

Allele frequency attached by ClinVar (database versions not stated): gnomAD 0.00005 and 0.00006; TOPMed 0.00017; gnomAD exomes 0.00018 and 0.00037; ExAC 0.00037.
gnomAD v4.1: 115 of 1,613,852 alleles (0.0071%); highest among the groups gnomAD compares: Admixed American, 0.19%; no homozygotes.

Submissions (3):

Labcorp Genetics (formerly Invitae), Labcorp
Classification: Likely benign. Last evaluated: 2026-01-30. Review status: criteria provided, single submitter. Criteria: Invitae Variant Classification Sherloc (09022015). Collection method: clinical testing. Allele origin: germline.

Athena Diagnostics
Classification: Uncertain significance. Last evaluated: 2024-06-04. Review status: criteria provided, single submitter. Criteria: Athena Diagnostics Criteria. Collection method: clinical testing. Allele origin: unknown.
Comment: Available data are insufficient to determine the clinical significance of the variant at this time. The frequency of this variant in the general population is higher than would generally be expected for pathogenic variants in this gene. Polyphen and MutationTaster yielded discordant predictions regarding whether this amino acid change is damaging to the protein.

Natera, Inc.
Classification: Uncertain significance for Familial isolated deficiency of vitamin E. Last evaluated: 2020-02-13. Review status: no assertion criteria provided. Collection method: clinical testing. Allele origin: germline. Not counted in ClinVar's aggregate classification.

NM_000370.3(TTPA):c.355A>G (p.Ile119Val)

Gene: TTPA (alpha tocopherol transfer protein; minus strand). Cytogenetic location: 8q12.3.
Variant type: single nucleotide variant.
Coding change: c.355A>G on transcript NM_000370.3 (MANE Select); coding-DNA position 355, A replaced by G.
Protein change: p.Ile119Val; replaces isoleucine 119 with valine.
Molecular consequence: missense variant.
Genome position (GRCh38, 1-based): chr8:63,072,938, T>C on the plus strand (A>G on the coding strand, the complement: TTPA is on the minus strand). VCF-style: chr8-63072938-T-C. GRCh37 (hg19) VCF-style: chr8-63985497-T-C.
Other names: short protein forms I119V.
Identifiers: ClinVar variation 727159 (VCV000727159.14), dbSNP rs766200402, ClinGen allele CA4763273.